The following is an entry in ClinVar:

NM_002439.5(MSH3):c.2100_2101del (p.Glu701fs)

Gene: MSH3 (mutS homolog 3; plus strand). Cytogenetic location: 5q14.1.
Variant type: Deletion.
Coding change: c.2100_2101del on transcript NM_002439.5 (MANE Select); coding-DNA positions 2100 to 2101, 2 bases deleted (TG; older notation c.2100_2101delTG).
Protein change: p.Glu701fs; shifts the reading frame from glutamic acid 701.
Molecular consequence: frameshift variant.
Genome position (GRCh38, 1-based): chr5:80,768,850-80,768,851, TG deleted. VCF-style (leftmost placement, unchanged base first): chr5-80768849-CTG-C. GRCh37 (hg19) VCF-style: chr5-80064668-CTG-C.
Other names: c.2100_2101delTG (NM_002439.3); short protein forms E701fs.
Identifiers: ClinVar variation 1074951 (VCV001074951.8), dbSNP rs1744168201, ClinGen allele CA1077990558.

ClinVar aggregate classification (germline): Pathogenic. Review status: criteria provided, multiple submitters, no conflicts (2 of 4 stars). 3 submissions from 3 submitters: Pathogenic (3). Last evaluated 2025-02-20.

Conditions:
Familial adenomatous polyposis 4 (FAP4). Also called: MSH3-related attenuated familial adenomatous polyposis. Identifiers: Orphanet 480536, MedGen C4310719, MONDO:0044300, OMIM 617100.
Hereditary cancer-predisposing syndrome. Also called: Tumor predisposition; Hereditary neoplastic syndrome; Neoplastic Syndromes, Hereditary; Hereditary Cancer Syndrome. Identifiers: Orphanet 140162, MedGen C0027672, MeSH D009386, MONDO:0015356.

Allele frequency attached by ClinVar (database versions not stated): gnomAD exomes below 0.00001; gnomAD 0.00001.

Submissions (3):

Ambry Genetics
Classification: Pathogenic for Hereditary cancer-predisposing syndrome. Last evaluated: 2025-02-20. Review status: criteria provided, single submitter. Criteria: Ambry Variant Classification Scheme 2023. Collection method: clinical testing. Allele origin: germline.
Comment: The c.2100_2101delTG pathogenic mutation, located in coding exon 15 of the MSH3 gene, results from a deletion of two nucleotides at nucleotide positions 2100 to 2101, causing a translational frameshift with a predicted alternate stop codon (p.E701Ifs*3). This alteration is expected to result in loss of function by premature protein truncation or nonsense-mediated mRNA decay. As such, this alteration is interpreted as a disease-causing mutation.

Labcorp Genetics (formerly Invitae), Labcorp
Classification: Pathogenic. Last evaluated: 2024-10-16. Review status: criteria provided, single submitter. Criteria: Invitae Variant Classification Sherloc (09022015). Collection method: clinical testing. Allele origin: germline.
Comment: This sequence change creates a premature translational stop signal (p.Glu701Ilefs*3) in the MSH3 gene. It is expected to result in an absent or disrupted protein product. Loss-of-function variants in MSH3 are known to be pathogenic (PMID: 27476653, 37402566). This variant is not present in population databases (gnomAD no frequency). This variant has not been reported in the literature in individuals affected with MSH3-related conditions. ClinVar contains an entry for this variant (Variation ID: 1074951). For these reasons, this variant has been classified as Pathogenic.

Myriad Genetics, Inc.
Classification: Pathogenic for Familial adenomatous polyposis 4. Last evaluated: 2023-08-30. Review status: criteria provided, single submitter. Criteria: Myriad Autosomal Dominant, Autosomal Recessive and X-Linked Classification Criteria (2023). Collection method: clinical testing. Allele origin: unknown.
Comment: This variant is considered pathogenic. This variant creates a frameshift predicted to result in premature protein truncation.

Literature cited by the submitters: PubMed 27476653 (cited by Labcorp Genetics (formerly Invitae), Labcorp); PubMed 37402566 (cited by Labcorp Genetics (formerly Invitae), Labcorp).